The following is an entry in ClinVar:

NM_000218.3(KCNQ1):c.1135T>G (p.Trp379Gly)

Gene: KCNQ1 (potassium voltage-gated channel subfamily Q member 1; plus strand). Cytogenetic location: 11p15.5.
Variant type: single nucleotide variant.
Coding change: c.1135T>G on transcript NM_000218.3 (MANE Select); coding-DNA position 1135, T replaced by G.
Protein change: p.Trp379Gly; replaces tryptophan 379 with glycine.
Molecular consequence: missense variant.
Genome position (GRCh38, 1-based): chr11:2,587,576, T>G. VCF-style: chr11-2587576-T-G. GRCh37 (hg19) VCF-style: chr11-2608806-T-G.
Other names: c.1135T>G (LRG_287t1); c.1039T>G, p.Trp347Gly (NM_001406836.1); c.865T>G, p.Trp289Gly (NM_001406837.1); c.595T>G, p.Trp199Gly (NM_001406838.1); c.754T>G, p.Trp252Gly (NM_181798.2); short protein forms W379G, W252G, W289G, W347G, W199G.
Identifiers: ClinVar variation 67014 (VCV000067014.5), dbSNP rs199472768, ClinGen allele CA005377.
Genomic context (GRCh38, chr11:2,587,576, plus strand): 5'-GGCCCCCGCCGGGTGGCTCAGCAGGTGACAGCCTGTCCCCCTGCCCGACCTCAGACCGCA[T>G]GGAGGTGCTATGCTGCCGAGAACCCCGACTCCTCCACCTGGAAGATCTACATCCGGAAGG-3'
Protein context (NP_000209.2, residues 369-389): PAAASLIQTA[Trp379Gly]RCYAAENPDS

ClinVar aggregate classification (germline): Uncertain significance. Review status: criteria provided, single submitter (1 of 4 stars). 2 submissions from 2 submitters: Uncertain significance (1). 1 of the submissions does not count toward it. Last evaluated 2020-01-17.

Conditions:
Familial long QT syndrome (RWS). Also called: Congenital long QT syndrome; Romano-Ward syndrome; VENTRICULAR FIBRILLATION WITH PROLONGED QT INTERVAL. Identifiers: Orphanet 768, MedGen C1141890, MONDO:0019171.

Submissions (2):

GeneDx
Classification: Uncertain significance. Last evaluated: 2020-01-17. Review status: criteria provided, single submitter. Criteria: GeneDx Variant Classification Process June 2021. Collection method: clinical testing. Allele origin: germline. Affected: yes.
Comment: Identified in a patient referred for LQTS genetic testing in the published literature (Kapplinger et al., 2009); Not observed in large population cohorts (Lek et al., 2016); In silico analysis, which includes protein predictors and evolutionary conservation, supports a deleterious effect; Different missense changes at this residue (p.W379R, p.W379S) have been reported in the Human Gene Mutation Database in association with LQTS and sudden unexplained death (Stenson et al., 2014); however, the pathogenicity of these variants has not been definitively determined; This variant is associated with the following publications: (PMID: 19716085)

Cardiovascular Biomedical Research Unit, Royal Brompton & Harefield NHS Foundation Trust
No classification provided. Condition: Familial long QT syndrome. Review status: no classification provided. Collection method: literature only. Allele origin: germline. Not counted in ClinVar's aggregate classification.
Comment: This variant has been reported as associated with Long QT syndrome in the following publications (PMID:19716085). This is a literature report, and does not necessarily reflect the clinical interpretation of the Imperial College / Royal Brompton Cardiovascular Genetics laboratory.

Literature cited by the submitters: PubMed 19716085 (cited by Cardiovascular Biomedical Research Unit, Royal Brompton & Harefield NHS Foundation Trust); PubMed 22581653 (cited by Cardiovascular Biomedical Research Unit, Royal Brompton & Harefield NHS Foundation Trust).